The following is an entry in ClinVar:

ClinVar aggregate classification (germline): Uncertain significance (1 of 4 stars; one submission).

Conditions:
X-linked severe congenital neutropenia (SCNX). Identifiers: Orphanet 86788, MedGen C1845987, MONDO:0010294, OMIM 300299.
Thrombocytopenia 1. Also called: THROMBOCYTOPENIA, X-LINKED, 1; X-Linked Thrombocytopenia (XLT); X-linked thrombocytopenia with normal platelets. Identifiers: Orphanet 268322, Orphanet 852, MedGen C1839163, MONDO:0010743, OMIM 313900.
Wiskott-Aldrich syndrome (WAS). Also called: ALDRICH SYNDROME; IMMUNODEFICIENCY 2; WISKOTT-ALDRICH SYNDROME 1; Wiskott-aldrich syndrome, somatic. Identifiers: Orphanet 906, MedGen C0043194, MONDO:0010518, OMIM 301000.

Submission:

Labcorp Genetics (formerly Invitae), Labcorp
Classification: Uncertain significance for Wiskott-Aldrich syndrome; X-linked severe congenital neutropenia; Thrombocytopenia 1. Last evaluated: 2022-09-01. Review status: criteria provided, single submitter. Criteria: Invitae Variant Classification Sherloc (09022015). Collection method: clinical testing. Allele origin: germline.
Comment: This sequence change replaces glutamine, which is neutral and polar, with proline, which is neutral and non-polar, at codon 99 of the WAS protein (p.Gln99Pro). This variant is not present in population databases (gnomAD no frequency). This missense change has been observed in individual(s) with clinical features of Wiskott-Aldrich syndrome (Invitae). ClinVar contains an entry for this variant (Variation ID: 1004544). Algorithms developed to predict the effect of missense changes on protein structure and function are either unavailable or do not agree on the potential impact of this missense change (SIFT: "Not Available"; PolyPhen-2: "Probably Damaging"; Align-GVGD: "Not Available"). In summary, the available evidence is currently insufficient to determine the role of this variant in disease. Therefore, it has been classified as a Variant of Uncertain Significance.

NM_000377.3(WAS):c.296A>C (p.Gln99Pro)

Gene: WAS (WASP actin nucleation promoting factor; plus strand). Cytogenetic location: Xp11.23.
Variant type: single nucleotide variant.
Coding change: c.296A>C on transcript NM_000377.3 (MANE Select); coding-DNA position 296, A replaced by C.
Protein change: p.Gln99Pro; replaces glutamine 99 with proline.
Molecular consequence: missense variant.
Genome position (GRCh38, 1-based): chrX:48,685,569, A>C. VCF-style: chrX-48685569-A-C. GRCh37 (hg19) VCF-style: chrX-48543958-A-C.
Other names: short protein forms Q99P.
Identifiers: ClinVar variation 1004544 (VCV001004544.8), dbSNP rs2062416153, ClinGen allele CA412866932.